The following is an entry in ClinVar:

NM_001034853.2(RPGR):c.1296A>T (p.Glu432Asp)

Gene: RPGR (retinitis pigmentosa GTPase regulator; minus strand). Cytogenetic location: Xp11.4.
Variant type: single nucleotide variant.
Coding change: c.1296A>T on transcript NM_001034853.2 (MANE Select); coding-DNA position 1296, A replaced by T.
Protein change: p.Glu432Asp; replaces glutamic acid 432 with aspartic acid.
Molecular consequence: missense variant. On other transcripts: non-coding transcript variant (6).
Genome position (GRCh38, 1-based): chrX:38,297,402, T>A on the plus strand (A>T on the coding strand, the complement: RPGR is on the minus strand). VCF-style: chrX-38297402-T-A. GRCh37 (hg19) VCF-style: chrX-38156655-T-A.
Other names: NM_001034853.2(RPGR):c.1296A>T; p.Glu432Asp; c.1296A>T, p.Glu432Asp (NM_000328.3, NM_001367247.1); c.1293A>T, p.Glu431Asp (NM_001367245.1, NM_001367249.1, NM_001367250.1); c.1110A>T, p.Glu370Asp (NM_001367246.1, NM_001367251.1); c.1326A>T, p.Glu442Asp (NM_001367248.1); short protein forms E432D, E442D, E370D, E431D.
Identifiers: ClinVar variation 255832 (VCV000255832.29), dbSNP rs28718831, ClinGen allele CA10385495.

ClinVar aggregate classification (germline): Benign. Review status: reviewed by expert panel (3 of 4 stars). 8 submissions from 8 submitters: Benign (1). 7 of the submissions do not count toward it. Last evaluated 2025-08-01.

Conditions:
RPGR-related retinopathy. Also called: RPGR retinopathy. Identifiers: MedGen CN305589, MONDO:0100437.
Primary ciliary dyskinesia. Also called: Ciliary dyskinesia. Identifiers: Orphanet 244, MedGen C0008780, MONDO:0016575, HP:0012265.

Allele frequency attached by ClinVar (database versions not stated): gnomAD exomes 0.00067 and 0.00195; ExAC 0.00255; gnomAD 0.00670 and 0.00730; 1000 Genomes Project 30x 0.00687; 1000 Genomes Project 0.00715; TOPMed 0.00771; ESP Exome Variant Server 0.01032.
gnomAD v4.1: 1,520 of 1,206,029 alleles (0.13%); highest among the groups gnomAD compares: African/African-American, 2.4%; 13 homozygotes.

Submissions (8):

ClinGen X-linked Inherited Retinal Disease Variant Curation Expert Panel, ClinGen
Classification: Benign for RPGR-related retinopathy. Last evaluated: 2025-08-01. Review status: reviewed by expert panel. Criteria: ClinGen X LinkedIRD ACMG Specifications RPGR V1.0.0. Collection method: curation. Allele origin: germline. Inheritance: X-linked inheritance.
Comment: NM_001034853.2(RPGR):c.1296A>T (p.Glu432Asp) is a missense variant predicted to cause substitution of glutamic acid by aspartic acid at amino acid 432. This variant is present in gnomAD v4.1.0 at a frequency of 0.0009778 among hemizygous individuals, with 385 variant alleles / 393,794 total hemizygous alleles, which is higher than the ClinGen X-linked IRD VCEP BA1 threshold of >0.00005 (BA1). The computational predictor REVEL gives a score of 0.009, which is below the ClinGen X-linked IRD VCEP threshold of <0.016 and predicts a non-damaging effect on RPGR function. Additionally, the splicing impact predictor SpliceAI gives a delta score of 0.03, which is below the ClinGen X-linked IRD VCEP recommended threshold of <0.1 and does not strongly predict an impact on splicing (BP4_Strong). In summary, this variant is classified as benign for RPGR-related retinopathy based on the ClinGen X-linked Inherited Retinal Disease Expert Panel Specifications to the ACMG/AMP Variant Interpretation Guidelines for RPGR Version 1.0.0; BA1 and BP4_Strong. (date of approval 05/16/2025).

Labcorp Genetics (formerly Invitae), Labcorp
Classification: Benign for Primary ciliary dyskinesia. Last evaluated: 2026-02-01. Review status: criteria provided, single submitter. Criteria: Invitae Variant Classification Sherloc (09022015). Collection method: clinical testing. Allele origin: germline. Not counted in ClinVar's aggregate classification.

Blueprint Genetics
Classification: Likely benign. Last evaluated: 2024-10-16. Review status: criteria provided, single submitter. Criteria: ACMG Guidelines, 2015. Collection method: clinical testing. Allele origin: germline. Not counted in ClinVar's aggregate classification.

ARUP Laboratories, Molecular Genetics and Genomics, ARUP Laboratories
Classification: Benign. Last evaluated: 2023-11-22. Review status: criteria provided, single submitter. Criteria: ARUP Molecular Germline Variant Investigation Process 2024. Collection method: clinical testing. Allele origin: germline. Not counted in ClinVar's aggregate classification.

GeneDx
Classification: Likely benign. Last evaluated: 2019-10-06. Review status: criteria provided, single submitter. Criteria: GeneDx Variant Classification Process June 2021. Collection method: clinical testing. Allele origin: germline. Affected: yes. Not counted in ClinVar's aggregate classification.

Ambry Genetics
Classification: Benign for Primary ciliary dyskinesia. Last evaluated: 2015-05-05. Review status: criteria provided, single submitter. Criteria: Ambry Variant Classification Scheme 2023. Collection method: clinical testing. Allele origin: germline. Not counted in ClinVar's aggregate classification.

Breakthrough Genomics
Classification: Likely benign. Review status: criteria provided, single submitter. Criteria: ACMG Guidelines, 2015. Collection method: not provided. Allele origin: germline. Inheritance: X-linked inheritance. Affected: yes. Not counted in ClinVar's aggregate classification.

PreventionGenetics, part of Exact Sciences
Classification: Benign. Review status: criteria provided, single submitter. Criteria: ACMG Guidelines, 2015. Collection method: clinical testing. Allele origin: germline. Not counted in ClinVar's aggregate classification.